The following is an entry in ClinVar:

NM_012193.4(FZD4):c.119A>C (p.Glu40Ala)

Gene: FZD4 (frizzled class receptor 4; minus strand). Cytogenetic location: 11q14.2.
Variant type: single nucleotide variant.
Coding change: c.119A>C on transcript NM_012193.4 (MANE Select); coding-DNA position 119, A replaced by C.
Protein change: p.Glu40Ala; replaces glutamic acid 40 with alanine.
Molecular consequence: missense variant.
Genome position (GRCh38, 1-based): chr11:86,954,967, T>G on the plus strand (A>C on the coding strand, the complement: FZD4 is on the minus strand). VCF-style: chr11-86954967-T-G. GRCh37 (hg19) VCF-style: chr11-86666009-T-G.
Other names: short protein forms E40A.
Identifiers: ClinVar variation 1916200 (VCV001916200.5), dbSNP rs2495874509, ClinGen allele CA382018479.

ClinVar aggregate classification (germline): Uncertain significance (1 of 4 stars; one submission).

Submission:

Labcorp Genetics (formerly Invitae), Labcorp
Classification: Uncertain significance. Last evaluated: 2024-11-05. Review status: criteria provided, single submitter. Criteria: Invitae Variant Classification Sherloc (09022015). Collection method: clinical testing. Allele origin: germline.
Comment: This sequence change replaces glutamic acid, which is acidic and polar, with alanine, which is neutral and non-polar, at codon 40 of the FZD4 protein (p.Glu40Ala). This variant is not present in population databases (gnomAD no frequency). This variant has not been reported in the literature in individuals affected with FZD4-related conditions. ClinVar contains an entry for this variant (Variation ID: 1916200). Invitae Evidence Modeling of protein sequence and biophysical properties (such as structural, functional, and spatial information, amino acid conservation, physicochemical variation, residue mobility, and thermodynamic stability) indicates that this missense variant is not expected to disrupt FZD4 protein function with a negative predictive value of 80%. In summary, the available evidence is currently insufficient to determine the role of this variant in disease. Therefore, it has been classified as a Variant of Uncertain Significance.